The following is an entry in ClinVar:

NM_014043.4(CHMP2B):c.*1408A>G

Gene: CHMP2B (charged multivesicular body protein 2B; plus strand). Cytogenetic location: 3p11.2.
Variant type: single nucleotide variant.
Coding change: c.*1408A>G on transcript NM_014043.4 (MANE Select); 1408 bases downstream of the stop codon, A replaced by G.
Molecular consequence: 3 prime UTR variant.
Genome position (GRCh38, 1-based): chr3:87,255,230, A>G. VCF-style: chr3-87255230-A-G. GRCh37 (hg19) VCF-style: chr3-87304380-A-G.
Other names: c.*1408A>G (NM_001244644.2).
Identifiers: ClinVar variation 346822 (VCV000346822.5), dbSNP rs183429826, ClinGen allele CA10619700.

ClinVar aggregate classification (germline): Benign (1 of 4 stars; one submission).

Conditions:
Frontotemporal dementia and/or amyotrophic lateral sclerosis 7 (FTDALS7). Also called: CHMP2B-Related Frontotemporal Dementia-Amyotrophic Lateral Sclerosis; CHMP2B-related frontotemporal dementia; AMYOTROPHIC LATERAL SCLEROSIS, CHMP2B-RELATED; Amyotrophic lateral sclerosis 17. Identifiers: Orphanet 275864, Orphanet 282, Orphanet 803, MedGen C1833296, MONDO:0010936, OMIM 600795.

Allele frequency attached by ClinVar (database versions not stated): 1000 Genomes Project 30x 0.00031; gnomAD 0.00039 and 0.00055; 1000 Genomes Project 0.00040; TOPMed 0.00056.

Submission:

Illumina Laboratory Services, Illumina
Classification: Benign for Frontotemporal dementia and/or amyotrophic lateral sclerosis 7. Last evaluated: 2018-01-13. Review status: criteria provided, single submitter. Criteria: ICSL Variant Classification Criteria 13 December 2019. Collection method: clinical testing. Allele origin: germline.
Comment: This variant was observed in the ICSL laboratory as part of a predisposition screen in an ostensibly healthy population. It had not been previously curated by ICSL or reported in the Human Gene Mutation Database (HGMD: prior to June 1st, 2018), and was therefore a candidate for classification through an automated scoring system. Utilizing variant allele frequency, disease prevalence and penetrance estimates, and inheritance mode, an automated score was calculated to assess if this variant is too frequent to cause the disease. Based on the score and internal cut-off values, a variant classified as benign is not then subjected to further curation. The score for this variant resulted in a classification of benign for this disease.